The following is an entry in ClinVar:

ClinVar aggregate classification (germline): Uncertain significance (1 of 4 stars; one submission).

Conditions:
Autosomal recessive limb-girdle muscular dystrophy type 2J (LGMDR10). Also called: Limb-girdle muscular dystrophy, type 2J; MUSCULAR DYSTROPHY, LIMB-GIRDLE, AUTOSOMAL RECESSIVE 10. Identifiers: Orphanet 140922, MedGen C1837342, MONDO:0012127, OMIM 608807.
Dilated cardiomyopathy 1G (CMD1G). Identifiers: Orphanet 154, MedGen C1858763, MONDO:0011400, OMIM 604145.

gnomAD v4.1: 6 of 1,613,972 alleles (0.00037%); highest among the groups gnomAD compares: Non-Finnish European, 0.00051%; no homozygotes.

Submission:

Labcorp Genetics (formerly Invitae), Labcorp
Classification: Uncertain significance for Dilated cardiomyopathy 1G; Autosomal recessive limb-girdle muscular dystrophy type 2J. Last evaluated: 2022-05-19. Review status: criteria provided, single submitter. Criteria: Invitae Variant Classification Sherloc (09022015). Collection method: clinical testing. Allele origin: germline.
Comment: This sequence change replaces leucine, which is neutral and non-polar, with phenylalanine, which is neutral and non-polar, at codon 34705 of the TTN protein (p.Leu34705Phe). This variant is not present in population databases (gnomAD no frequency). This variant has not been reported in the literature in individuals affected with TTN-related conditions. Experimental studies and prediction algorithms are not available or were not evaluated, and the functional significance of this variant is currently unknown. In summary, the available evidence is currently insufficient to determine the role of this variant in disease. Therefore, it has been classified as a Variant of Uncertain Significance. This variant is located in the M band of TTN (PMID: 25589632). Variants in this region may be relevant for neuromuscular disorders, but have not been definitively shown to cause cardiomyopathy (PMID: 23975875).

Literature cited by the submitters: PubMed 25589632; PubMed 23975875.

NM_001267550.2(TTN):c.104113C>T (p.Leu34705Phe)

Genes: TTN (titin; minus strand), TTN-AS1 (TTN antisense RNA 1; plus strand). Cytogenetic location: 2q31.2.
Variant type: single nucleotide variant.
Coding change: c.104113C>T on transcript NM_001267550.2 (MANE Select); coding-DNA position 104113, C replaced by T.
Protein change: p.Leu34705Phe; replaces leucine 34705 with phenylalanine.
Molecular consequence: missense variant.
Genome position (GRCh38, 1-based): chr2:178,532,502, G>A on the plus strand (C>T on the coding strand, the complement: TTN is on the minus strand). VCF-style: chr2-178532502-G-A. GRCh37 (hg19) VCF-style: chr2-179397229-G-A.
Other names: c.99190C>T, p.Leu33064Phe (NM_001256850.1); c.76918C>T, p.Leu25640Phe (NM_003319.4); c.96409C>T, p.Leu32137Phe (NM_133378.4); c.77293C>T, p.Leu25765Phe (NM_133432.3); c.77494C>T, p.Leu25832Phe (NM_133437.4); short protein forms L25765F, L32137F, L34705F, L33064F, L25640F, L25832F.
Identifiers: ClinVar variation 1958819 (VCV001958819.5), dbSNP rs1438800303, ClinGen allele CA349412469.